The following is an entry in ClinVar:

ClinVar aggregate classification (germline): Uncertain significance. Review status: criteria provided, multiple submitters, no conflicts (2 of 4 stars). 2 submissions from 2 submitters: Uncertain significance (2). Last evaluated 2025-11-13.

Allele frequency attached by ClinVar (database versions not stated): gnomAD 0.00001; gnomAD exomes 0.00001.
gnomAD v4.1: 16 of 1,613,884 alleles (0.00099%); highest among the groups gnomAD compares: African/African-American, 0.0013%; no homozygotes.

Submissions (2):

Labcorp Genetics (formerly Invitae), Labcorp
Classification: Uncertain significance. Last evaluated: 2025-11-13. Review status: criteria provided, single submitter. Criteria: Invitae Variant Classification Sherloc (09022015). Collection method: clinical testing. Allele origin: germline.
Comment: This sequence change replaces isoleucine, which is neutral and non-polar, with valine, which is neutral and non-polar, at codon 18 of the IL21 protein (p.Ile18Val). This variant is present in population databases (no rsID available, gnomAD 0.0009%). This variant has not been reported in the literature in individuals affected with IL21-related conditions. ClinVar contains an entry for this variant (Variation ID: 1939066). An algorithm developed to predict the effect of missense changes on protein structure and function (PolyPhen-2) suggests that this variant is likely to be disruptive. In summary, the available evidence is currently insufficient to determine the role of this variant in disease. Therefore, it has been classified as a Variant of Uncertain Significance.

Ambry Genetics
Classification: Uncertain significance. Last evaluated: 2025-08-01. Review status: criteria provided, single submitter. Criteria: Ambry Variant Classification Scheme 2023. Collection method: clinical testing. Allele origin: germline.

NM_021803.4(IL21):c.52A>G (p.Ile18Val)

Genes: IL21 (interleukin 21; minus strand), IL21-AS1 (IL21 antisense RNA 1; plus strand), LOC126807147 (CDK7 strongly-dependent group 2 enhancer GRCh37_chr4:123541308-123542507; plus strand). Cytogenetic location: 4q27.
Variant type: single nucleotide variant.
Coding change: c.52A>G on transcript NM_021803.4 (MANE Select); coding-DNA position 52, A replaced by G.
Protein change: p.Ile18Val; replaces isoleucine 18 with valine.
Molecular consequence: missense variant. On other transcripts: non-coding transcript variant (1).
Genome position (GRCh38, 1-based): chr4:122,620,960, T>C on the plus strand (A>G on the coding strand, the complement: IL21 is on the minus strand). VCF-style: chr4-122620960-T-C. GRCh37 (hg19) VCF-style: chr4-123542115-T-C.
Other names: c.52A>G, p.Ile18Val (NM_001207006.3); c.52A>G (NM_021803.2); short protein forms I18V.
Identifiers: ClinVar variation 1939066 (VCV001939066.6), dbSNP rs1212721523, ClinGen allele CA358221850.
Genomic context (GRCh38, chr4:122,620,960, plus strand): 5'-TAATCATGTGGCGATCTTGACCTTGGGAGCTTGATTTGTGGACCAGTGTCCCCAAGAAGA[T>C]GACCATCAGACAGATGACAATCCTCTCCATGTTGCCAGGACTGGATCTCATAAGTACCAA-3'
Protein context (NP_068575.1, residues 8-28): MERIVICLMV[Ile18Val]FLGTLVHKSS